The following is an entry in ClinVar:

NM_001358921.2(COQ2):c.642T>C (p.Asn214=)

Gene: COQ2 (coenzyme Q2, polyprenyltransferase; minus strand). Cytogenetic location: 4q21.23.
Variant type: single nucleotide variant.
Coding change: c.642T>C on transcript NM_001358921.2 (MANE Select); coding-DNA position 642, T replaced by C.
Protein change: p.Asn214=; no amino-acid change (asparagine 214 retained).
Molecular consequence: synonymous variant.
Genome position (GRCh38, 1-based): chr4:83,269,980, A>G on the plus strand (T>C on the coding strand, the complement: COQ2 is on the minus strand). VCF-style: chr4-83269980-A-G. GRCh37 (hg19) VCF-style: chr4-84191133-A-G.
Other names: c.792T>C, p.Asn264= (NM_015697.9).
Identifiers: ClinVar variation 3036730 (VCV003036730.4), dbSNP rs571717352, ClinGen allele CA2988530.

ClinVar aggregate classification (germline): Likely benign. Review status: criteria provided, multiple submitters, no conflicts (2 of 4 stars). 3 submissions from 3 submitters: Likely benign (2). 1 of the submissions does not count toward it. Last evaluated 2025-09-24.

Conditions:
COQ2-related disorder. Also called: COQ2-related condition.

Allele frequency attached by ClinVar (database versions not stated): gnomAD exomes 0.00001; TOPMed 0.00002; ExAC 0.00003; gnomAD 0.00003.
gnomAD v4.1: 20 of 1,613,012 alleles (0.0012%); highest among the groups gnomAD compares: African/African-American, 0.0053%; no homozygotes.

Submissions (3):

Labcorp Genetics (formerly Invitae), Labcorp
Classification: Likely benign. Last evaluated: 2025-09-24. Review status: criteria provided, single submitter. Criteria: Invitae Variant Classification Sherloc (09022015). Collection method: clinical testing. Allele origin: germline.

Blueprint Genetics
Classification: Likely benign. Last evaluated: 2019-01-22. Review status: criteria provided, single submitter. Criteria: ACMG Guidelines, 2015. Collection method: clinical testing. Allele origin: germline.

PreventionGenetics, part of Exact Sciences
Classification: Likely benign for COQ2-related condition. Last evaluated: 2022-12-19. Review status: no assertion criteria provided. Collection method: clinical testing. Allele origin: germline. Not counted in ClinVar's aggregate classification.
Comment: This variant is classified as likely benign based on ACMG/AMP sequence variant interpretation guidelines (Richards et al. 2015 PMID: 25741868, with internal and published modifications).